The following is an entry in ClinVar:

ClinVar aggregate classification (germline): Benign (3 of 4 stars; one submission).

Conditions:
Breast-ovarian cancer, familial, susceptibility to, 2 (BROVCA2). Also called: BRCA2 Hereditary Breast and Ovarian Cancer. Identifiers: Orphanet 145, MedGen C2675520, MONDO:0012933, OMIM 612555. Disease mechanism: loss of function.

Allele frequency attached by ClinVar (database versions not stated): gnomAD 0.01430 and 0.01451; TOPMed 0.01915; 1000 Genomes Project 0.01997; 1000 Genomes Project 30x 0.02046.
gnomAD v4.1: 2,190 of 152,062 alleles (1.4%); highest among the groups gnomAD compares: Admixed American, 6.7%; 56 homozygotes.

Submission:

Evidence-based Network for the Interpretation of Germline Mutant Alleles (ENIGMA)
Classification: Benign for Breast-ovarian cancer, familial 2. Last evaluated: 2015-01-12. Review status: reviewed by expert panel. Criteria: ENIGMA BRCA1/2 Classification Criteria (2015). Collection method: curation. Allele origin: germline.
Comment: Class 1 not pathogenic based on frequency >1% in an outbred sampleset. Frequency 0.01715 (European), derived from 1000 genomes (2012-04-30).

NM_000059.4(BRCA2):c.8332-703G>A

Gene: BRCA2 (BRCA2 DNA repair associated; plus strand). Cytogenetic location: 13q13.1.
Variant type: single nucleotide variant.
Coding change: c.8332-703G>A on transcript NM_000059.4 (MANE Select); 703 bases into the intron before coding-DNA position 8332, G replaced by A.
Molecular consequence: intron variant.
Genome position (GRCh38, 1-based): chr13:32,369,699, G>A. VCF-style: chr13-32369699-G-A. GRCh37 (hg19) VCF-style: chr13-32943836-G-A.
Other names: IVS 18-703G>A.
Identifiers: ClinVar variation 209811 (VCV000209811.1), dbSNP rs11571740, ClinGen allele CA276779.